The following is an entry in ClinVar:

ClinVar aggregate classification (germline): Uncertain significance (1 of 4 stars; one submission).

Allele frequency attached by ClinVar (database versions not stated): gnomAD 0.00001; gnomAD exomes 0.00001; ExAC 0.00002.
gnomAD v4.1: 4 of 1,604,562 alleles (0.00025%); highest among the groups gnomAD compares: Admixed American, 0.0068%; no homozygotes.

Submission:

Labcorp Genetics (formerly Invitae), Labcorp
Classification: Uncertain significance. Last evaluated: 2021-12-03. Review status: criteria provided, single submitter. Criteria: Invitae Variant Classification Sherloc (09022015). Collection method: clinical testing. Allele origin: germline.
Comment: Algorithms developed to predict the effect of missense changes on protein structure and function (SIFT, PolyPhen-2, Align-GVGD) all suggest that this variant is likely to be tolerated. In summary, the available evidence is currently insufficient to determine the role of this variant in disease. Therefore, it has been classified as a Variant of Uncertain Significance. This variant has not been reported in the literature in individuals affected with NDUFA9-related conditions. This variant is present in population databases (rs756216768, gnomAD 0.009%). This sequence change replaces alanine, which is neutral and non-polar, with valine, which is neutral and non-polar, at codon 3 of the NDUFA9 protein (p.Ala3Val).

NM_005002.5(NDUFA9):c.8C>T (p.Ala3Val)

Gene: NDUFA9 (NADH:ubiquinone oxidoreductase subunit A9; plus strand). Cytogenetic location: 12p13.32.
Variant type: single nucleotide variant.
Coding change: c.8C>T on transcript NM_005002.5 (MANE Select); coding-DNA position 8, C replaced by T.
Protein change: p.Ala3Val; replaces alanine 3 with valine.
Molecular consequence: missense variant.
Genome position (GRCh38, 1-based): chr12:4,649,134, C>T. VCF-style: chr12-4649134-C-T. GRCh37 (hg19) VCF-style: chr12-4758300-C-T.
Other names: short protein forms A3V.
Identifiers: ClinVar variation 1438706 (VCV001438706.6), dbSNP rs756216768, ClinGen allele CA6397953.